The following is an entry in ClinVar:

NM_001384140.1(PCDH15):c.4303C>T (p.Pro1435Ser)

Gene: PCDH15 (protocadherin related 15; minus strand). Cytogenetic location: 10q21.1.
Variant type: single nucleotide variant.
Coding change: c.4303C>T on transcript NM_001384140.1 (MANE Select); coding-DNA position 4303, C replaced by T.
Protein change: p.Pro1435Ser; replaces proline 1435 with serine.
Molecular consequence: missense variant.
Genome position (GRCh38, 1-based): chr10:53,827,457, G>A on the plus strand (C>T on the coding strand, the complement: PCDH15 is on the minus strand). VCF-style: chr10-53827457-G-A. GRCh37 (hg19) VCF-style: chr10-55587217-G-A.
Other names: c.4318C>T, p.Pro1440Ser (NM_001142763.2, NM_001142771.2); c.4303C>T, p.Pro1435Ser (NM_001142764.2, NM_001142770.3, NM_001142772.2 and 3 more transcripts); c.4090C>T, p.Pro1364Ser (NM_001142765.2); c.4294C>T, p.Pro1432Ser (NM_001142766.2); c.4183C>T, p.Pro1395Ser (NM_001142767.2); c.4237C>T, p.Pro1413Ser (NM_001142768.2, NM_001354404.2); c.4339C>T, p.Pro1447Ser (NM_001142769.4); c.4228C>T, p.Pro1410Ser (NM_001142773.2); and 1 more; short protein forms P1364S, P1413S, P1440S, P1432S, P1435S, P1442S, P1447S, P1395S.
Identifiers: ClinVar variation 972294 (VCV000972294.7), dbSNP rs766039931, ClinGen allele CA5505379.

ClinVar aggregate classification (germline): Uncertain significance. Review status: criteria provided, single submitter (1 of 4 stars). 2 submissions from 2 submitters: Uncertain significance (1). 1 of the submissions does not count toward it. Last evaluated 2022-02-22.

Conditions:
Usher syndrome type 1F (USH1F). Also called: USHER SYNDROME, TYPE IF. Identifiers: Orphanet 231169, Orphanet 886, MedGen C1865885, MONDO:0011186, OMIM 602083.

gnomAD v4.1: 6 of 1,613,736 alleles (0.00037%); highest among the groups gnomAD compares: South Asian, 0.0011%; no homozygotes.

Submissions (2):

Labcorp Genetics (formerly Invitae), Labcorp
Classification: Uncertain significance. Last evaluated: 2022-02-22. Review status: criteria provided, single submitter. Criteria: Invitae Variant Classification Sherloc (09022015). Collection method: clinical testing. Allele origin: germline.
Comment: This sequence change replaces proline, which is neutral and non-polar, with serine, which is neutral and polar, at codon 1435 of the PCDH15 protein (p.Pro1435Ser). This variant is present in population databases (rs766039931, gnomAD 0.0009%). This variant has not been reported in the literature in individuals affected with PCDH15-related conditions. ClinVar contains an entry for this variant (Variation ID: 972294). Algorithms developed to predict the effect of missense changes on protein structure and function (SIFT, PolyPhen-2, Align-GVGD) all suggest that this variant is likely to be tolerated. In summary, the available evidence is currently insufficient to determine the role of this variant in disease. Therefore, it has been classified as a Variant of Uncertain Significance.

Natera, Inc.
Classification: Uncertain significance for Usher syndrome type 1F. Last evaluated: 2021-05-26. Review status: no assertion criteria provided. Collection method: clinical testing. Allele origin: germline. Not counted in ClinVar's aggregate classification.